The following is an entry in ClinVar:

ClinVar aggregate classification (germline): Uncertain significance (1 of 4 stars; one submission).

Submission:

Labcorp Genetics (formerly Invitae), Labcorp
Classification: Uncertain significance. Last evaluated: 2025-02-19. Review status: criteria provided, single submitter. Criteria: Invitae Variant Classification Sherloc (09022015). Collection method: clinical testing. Allele origin: germline.
Comment: This sequence change replaces isoleucine, which is neutral and non-polar, with leucine, which is neutral and non-polar, at codon 238 of the VAV1 protein (p.Ile238Leu). This variant is not present in population databases (gnomAD no frequency). This variant has not been reported in the literature in individuals affected with VAV1-related conditions. An algorithm developed to predict the effect of missense changes on protein structure and function (PolyPhen-2) suggests that this variant is likely to be tolerated. In summary, the available evidence is currently insufficient to determine the role of this variant in disease. Therefore, it has been classified as a Variant of Uncertain Significance.

NM_005428.4(VAV1):c.712A>C (p.Ile238Leu)

Gene: VAV1 (vav guanine nucleotide exchange factor 1; plus strand). Cytogenetic location: 19p13.3.
Variant type: single nucleotide variant.
Coding change: c.712A>C on transcript NM_005428.4 (MANE Select); coding-DNA position 712, A replaced by C.
Protein change: p.Ile238Leu; replaces isoleucine 238 with leucine.
Molecular consequence: missense variant.
Genome position (GRCh38, 1-based): chr19:6,825,110, A>C. VCF-style: chr19-6825110-A-C. GRCh37 (hg19) VCF-style: chr19-6825121-A-C.
Other names: c.712A>C, p.Ile238Leu (NM_001258206.2); c.616A>C, p.Ile206Leu (NM_001258207.2); short protein forms I206L, I238L.
Identifiers: ClinVar variation 4745649 (VCV004745649.1).
Genomic context (GRCh38, chr19:6,825,110, plus strand): 5'-CAGCATTTCTTGAAGCCCCTGCAACGGTTCCTGAAACCTCAAGACATTGAGATCATCTTT[A>C]TCAACATTGAGGTGAGCCGGCCGATCCCCAGCCCTCTTGGGTCTGTCTAGTGCGGATAAC-3'
Protein context (NP_005419.2, residues 228-248): LKPQDIEIIF[Ile238Leu]NIEDLLRVHT